The following is an entry in ClinVar:

NM_004070.4(CLCNKA):c.860C>T (p.Ala287Val)

Genes: CLCNKA (chloride voltage-gated channel Ka; plus strand), LOC106501712 (CLCNKA recombination region; plus strand). Cytogenetic location: 1p36.13.
Variant type: single nucleotide variant.
Coding change: c.860C>T on transcript NM_004070.4 (MANE Select); coding-DNA position 860, C replaced by T.
Protein change: p.Ala287Val; replaces alanine 287 with valine.
Molecular consequence: missense variant.
Genome position (GRCh38, 1-based): chr1:16,027,899, C>T. VCF-style: chr1-16027899-C-T. GRCh37 (hg19) VCF-style: chr1-16354394-C-T.
Other names: p.Ala287Val; c.860C>T, p.Ala287Val (NM_001042704.2); c.731C>T, p.Ala244Val (NM_001257139.2); short protein forms A244V, A287V.
Identifiers: ClinVar variation 773389 (VCV000773389.7), dbSNP rs200268763, ClinGen allele CA622417.

ClinVar aggregate classification (germline): Benign/Likely benign. Review status: criteria provided, multiple submitters, no conflicts (2 of 4 stars). 4 submissions from 4 submitters: Benign (3); Likely benign (1). Last evaluated 2025-04-22.

Conditions:
Bartter disease type 4B. Also called: BARTTER SYNDROME, TYPE 4B; BARTTER SYNDROME, TYPE 4B, NEONATAL, WITH SENSORINEURAL DEAFNESS; Bartter syndrome, type 4b, digenic. Identifiers: Orphanet 112, MedGen C4310805, MONDO:0000909, OMIM 613090.

Allele frequency attached by ClinVar (database versions not stated): gnomAD exomes 0.00554; ExAC 0.00589; gnomAD 0.01111 and 0.01145; 1000 Genomes Project 0.01737; 1000 Genomes Project 30x 0.01811.

Submissions (4):

Mayo Clinic Laboratories, Mayo Clinic
Classification: Benign. Last evaluated: 2025-04-22. Review status: criteria provided, single submitter. Criteria: ACMG Guidelines, 2015. Collection method: clinical testing. Allele origin: germline. Observed: 1 variant allele.
Comment: BS1, BS2, BP4

Fulgent Genetics
Classification: Likely benign for Bartter disease type 4B. Last evaluated: 2022-02-25. Review status: criteria provided, single submitter. Criteria: ACMG Guidelines, 2015. Collection method: clinical testing. Allele origin: unknown.

Labcorp Genetics (formerly Invitae), Labcorp
Classification: Benign. Last evaluated: 2019-12-31. Review status: criteria provided, single submitter. Criteria: Invitae Variant Classification Sherloc (09022015). Collection method: clinical testing. Allele origin: germline.

Breakthrough Genomics
Classification: Benign. Review status: criteria provided, single submitter. Criteria: ACMG Guidelines, 2015. Collection method: not provided. Allele origin: germline. Inheritance: Autosomal recessive inheritance. Affected: yes.